The following is an entry in ClinVar:

NM_000404.4(GLB1):c.2009A>G (p.Lys670Arg)

Gene: GLB1 (galactosidase beta 1; minus strand). Cytogenetic location: 3p22.3.
Variant type: single nucleotide variant.
Coding change: c.2009A>G on transcript NM_000404.4 (MANE Select); coding-DNA position 2009, A replaced by G.
Protein change: p.Lys670Arg; replaces lysine 670 with arginine.
Molecular consequence: missense variant. On other transcripts: intron variant (1).
Genome position (GRCh38, 1-based): chr3:32,997,070, T>C on the plus strand (A>G on the coding strand, the complement: GLB1 is on the minus strand). VCF-style: chr3-32997070-T-C. GRCh37 (hg19) VCF-style: chr3-33038562-T-C.
Other names: c.1919A>G, p.Lys640Arg (NM_001079811.3); c.1616A>G, p.Lys539Arg (NM_001135602.3); c.2153A>G, p.Lys718Arg (NM_001317040.2); c.1734+16986A>G (NM_001393580.1); short protein forms K670R, K640R, K539R, K718R.
Identifiers: ClinVar variation 1354608 (VCV001354608.5), dbSNP rs764348340, ClinGen allele CA2299255.

ClinVar aggregate classification (germline): Uncertain significance (1 of 4 stars; one submission).

Conditions:
Mucopolysaccharidosis, MPS-IV-B (MPS4B). Also called: MORQUIO SYNDROME B; Mucopolysaccharidosis Type IVB (Morquio B Disease); Mucopolysaccharidosis type 4B; Mucopolysaccharidosis type IVB (Morquio); MPS IVB; Mucopolysaccharidosis type IV B. Identifiers: Orphanet 309310, Orphanet 582, MedGen C0086652, MONDO:0009660, OMIM 253010.
GM1 gangliosidosis. Identifiers: Orphanet 354, MedGen C0085131, MONDO:0018149.

Allele frequency attached by ClinVar (database versions not stated): gnomAD exomes below 0.00001 and 0.00001; ExAC 0.00001; TOPMed 0.00001.

Submission:

Labcorp Genetics (formerly Invitae), Labcorp
Classification: Uncertain significance for Mucopolysaccharidosis, MPS-IV-B; GM1 gangliosidosis. Last evaluated: 2022-02-05. Review status: criteria provided, single submitter. Criteria: Invitae Variant Classification Sherloc (09022015). Collection method: clinical testing. Allele origin: germline.
Comment: This sequence change replaces lysine, which is basic and polar, with arginine, which is basic and polar, at codon 670 of the GLB1 protein (p.Lys670Arg). This variant is present in population databases (rs764348340, gnomAD 0.007%). This variant has not been reported in the literature in individuals affected with GLB1-related conditions. Advanced modeling of protein sequence and biophysical properties (such as structural, functional, and spatial information, amino acid conservation, physicochemical variation, residue mobility, and thermodynamic stability) performed at Invitae indicates that this missense variant is not expected to disrupt GLB1 protein function. In summary, the available evidence is currently insufficient to determine the role of this variant in disease. Therefore, it has been classified as a Variant of Uncertain Significance.